The following is an entry in ClinVar:

ClinVar aggregate classification (germline): Uncertain significance. Review status: criteria provided, multiple submitters, no conflicts (2 of 4 stars). 2 submissions from 2 submitters: Uncertain significance (2). Last evaluated 2025-11-24.

Conditions:
Immunodeficiency 51 (IMD51). Also called: CANDIDIASIS, FAMILIAL, 5. Identifiers: Orphanet 1334, MedGen C4310803, MONDO:0013500, OMIM 613953.

Allele frequency attached by ClinVar (database versions not stated): gnomAD exomes below 0.00001; TOPMed below 0.00001; gnomAD 0.00001.
gnomAD v4.1: 14 of 1,613,464 alleles (0.00087%); highest among the groups gnomAD compares: Non-Finnish European, 0.0012%; no homozygotes.

Submissions (2):

Ambry Genetics
Classification: Uncertain significance. Last evaluated: 2025-11-24. Review status: criteria provided, single submitter. Criteria: Ambry Variant Classification Scheme 2023. Collection method: clinical testing. Allele origin: germline.

Labcorp Genetics (formerly Invitae), Labcorp
Classification: Uncertain significance for Immunodeficiency 51. Last evaluated: 2021-09-01. Review status: criteria provided, single submitter. Criteria: Invitae Variant Classification Sherloc (09022015). Collection method: clinical testing. Allele origin: germline.
Comment: This sequence change replaces alanine with glycine at codon 419 of the IL17RA protein (p.Ala419Gly). The alanine residue is weakly conserved and there is a small physicochemical difference between alanine and glycine. This variant is not present in population databases (ExAC no frequency). This variant has not been reported in the literature in individuals affected with IL17RA-related conditions. Algorithms developed to predict the effect of missense changes on protein structure and function are either unavailable or do not agree on the potential impact of this missense change (SIFT: "Tolerated"; PolyPhen-2: "Possibly Damaging"; Align-GVGD: "Class C0"). In summary, the available evidence is currently insufficient to determine the role of this variant in disease. Therefore, it has been classified as a Variant of Uncertain Significance.

NM_014339.7(IL17RA):c.1256C>G (p.Ala419Gly)

Gene: IL17RA (interleukin 17 receptor A; plus strand). Cytogenetic location: 22q11.1.
Variant type: single nucleotide variant.
Coding change: c.1256C>G on transcript NM_014339.7 (MANE Select); coding-DNA position 1256, C replaced by G.
Protein change: p.Ala419Gly; replaces alanine 419 with glycine.
Molecular consequence: missense variant.
Genome position (GRCh38, 1-based): chr22:17,108,475, C>G. VCF-style: chr22-17108475-C-G. GRCh37 (hg19) VCF-style: chr22-17589365-C-G.
Other names: c.1154C>G, p.Ala385Gly (NM_001289905.2); c.1256C>G (NM_014339.5); short protein forms A419G, A385G.
Identifiers: ClinVar variation 961841 (VCV000961841.8), dbSNP rs1263027029, ClinGen allele CA410216290.